The following is an entry in ClinVar:

ClinVar aggregate classification (germline): Uncertain significance. Review status: criteria provided, multiple submitters, no conflicts (2 of 4 stars). 5 submissions from 4 submitters: Uncertain significance (5). Last evaluated 2024-05-20.

Conditions:
Severe combined immunodeficiency, autosomal recessive, T cell-negative, B cell-negative, NK cell-positive. Also called: SCID, AR, T-cell negative, B-cell negative, NK cell-positive; Severe combined immunodeficiency due to complete RAG1/2 deficiency; SCID, T CELL-NEGATIVE, B CELL-NEGATIVE, NK CELL-POSITIVE. Identifiers: Orphanet 331206, MedGen C1832322, MONDO:0011086, OMIM 601457.
Combined immunodeficiency with skin granulomas. Identifiers: Orphanet 157949, MedGen C2673536, MONDO:0009306, OMIM 233650.
Primary ciliary dyskinesia. Also called: Ciliary dyskinesia. Identifiers: Orphanet 244, MedGen C0008780, MONDO:0016575, HP:0012265.
Histiocytic medullary reticulosis. Also called: SEVERE COMBINED IMMUNODEFICIENCY WITH HYPEREOSINOPHILIA; Omenn syndrome. Identifiers: Orphanet 39041, MedGen C2700553, MONDO:0011338, OMIM 603554.

Allele frequency attached by ClinVar (database versions not stated): ExAC 0.00005; gnomAD exomes 0.00007 and 0.00015; gnomAD 0.00012; TOPMed 0.00012; ESP Exome Variant Server 0.00031.
gnomAD v4.1: 238 of 1,614,026 alleles (0.015%); highest among the groups gnomAD compares: Non-Finnish European, 0.019%; no homozygotes.

Submissions (6):

Blueprint Genetics
Classification: Uncertain significance. Last evaluated: 2024-05-20. Review status: criteria provided, single submitter. Criteria: ACMG Guidelines, 2015. Collection method: clinical testing. Allele origin: germline.

Labcorp Genetics (formerly Invitae), Labcorp
Classification: Uncertain significance for Combined immunodeficiency with skin granulomas; Severe combined immunodeficiency, autosomal recessive, T cell-negative, B cell-negative, NK cell-positive. Last evaluated: 2022-04-25. Review status: criteria provided, single submitter. Criteria: Invitae Variant Classification Sherloc (09022015). Collection method: clinical testing. Allele origin: germline.
Comment: This sequence change replaces glutamic acid, which is acidic and polar, with lysine, which is basic and polar, at codon 876 of the RAG1 protein (p.Glu876Lys). This variant is present in population databases (rs145772007, gnomAD 0.01%). This variant has not been reported in the literature in individuals affected with RAG1-related conditions. ClinVar contains an entry for this variant (Variation ID: 304504). Advanced modeling of protein sequence and biophysical properties (such as structural, functional, and spatial information, amino acid conservation, physicochemical variation, residue mobility, and thermodynamic stability) performed at Invitae indicates that this missense variant is not expected to disrupt RAG1 protein function. In summary, the available evidence is currently insufficient to determine the role of this variant in disease. Therefore, it has been classified as a Variant of Uncertain Significance.

UNC Molecular Genetics  Laboratory, University of North Carolina at Chapel Hill
Classification: Uncertain significance for Primary ciliary dyskinesia. Last evaluated: 2019-02-28. Review status: criteria provided, single submitter. Criteria: ACMG Guidelines, 2015. Collection method: clinical testing. Allele origin: germline. Affected: yes. Observed: 1 heterozygote.

Illumina Laboratory Services, Illumina
Classification: Uncertain significance for Histiocytic medullary reticulosis. Last evaluated: 2018-01-12. Review status: criteria provided, single submitter. Criteria: ICSL Variant Classification Criteria 13 December 2019. Collection method: clinical testing. Allele origin: germline.

Illumina Laboratory Services, Illumina
Classification: Uncertain significance for Severe combined immunodeficiency, autosomal recessive, T cell-negative, B cell-negative, NK cell-positive. Last evaluated: 2018-01-12. Review status: criteria provided, single submitter. Criteria: ICSL Variant Classification Criteria 13 December 2019. Collection method: clinical testing. Allele origin: germline.

Dr. Peter K. Rogan Lab, Western University
No classification provided (evidence only). Condition: Hepatocellular carcinoma. Review status: no classification provided. Collection method: in vitro. Allele origin: not applicable. Functional consequence: retained intron. Not counted in ClinVar's aggregate classification.

NM_000448.3(RAG1):c.2626G>A (p.Glu876Lys)

Gene: RAG1 (recombination activating 1; plus strand). Cytogenetic location: 11p12.
Variant type: single nucleotide variant.
Coding change: c.2626G>A on transcript NM_000448.3 (MANE Select); coding-DNA position 2626, G replaced by A.
Protein change: p.Glu876Lys; replaces glutamic acid 876 with lysine.
Molecular consequence: missense variant.
Genome position (GRCh38, 1-based): chr11:36,575,930, G>A. VCF-style: chr11-36575930-G-A. GRCh37 (hg19) VCF-style: chr11-36597480-G-A.
Other names: c.2626G>A, p.Glu876Lys (NM_001377277.1, NM_001377278.1, NM_001377279.1 and 1 more transcripts); short protein forms E876K.
Identifiers: ClinVar variation 304504 (VCV000304504.15), dbSNP rs145772007, ClinGen allele CA5950301.